The following is an entry in ClinVar:

NM_001015880.2(PAPSS2):c.1667G>A (p.Arg556Gln)

Gene: PAPSS2 (3'-phosphoadenosine 5'-phosphosulfate synthase 2; plus strand). Cytogenetic location: 10q23.31.
Variant type: single nucleotide variant.
Coding change: c.1667G>A on transcript NM_001015880.2 (MANE Select); coding-DNA position 1667, G replaced by A.
Protein change: p.Arg556Gln; replaces arginine 556 with glutamine.
Molecular consequence: missense variant.
Genome position (GRCh38, 1-based): chr10:87,745,177, G>A. VCF-style: chr10-87745177-G-A. GRCh37 (hg19) VCF-style: chr10-89504934-G-A.
Other names: c.1652G>A, p.Arg551Gln (NM_004670.4); c.1652G>A (NM_004670.3); short protein forms R551Q, R556Q.
Identifiers: ClinVar variation 1410084 (VCV001410084.9), dbSNP rs758144732, ClinGen allele CA5589811.
Genomic context (GRCh38, chr10:87,745,177, plus strand): 5'-ATGGGGGCAAGGTCTTGAGCATGGCCCCTGGCCTCACCTCTGTGGAAATCATTCCATTCC[G>A]AGTGGCTGCCTACAACAAAGCCAAAAAAGCCATGGACTTCTATGATCCAGCAAGGTAGGT-3'
Protein context (NP_001015880.1, residues 546-566): GLTSVEIIPF[Arg556Gln]VAAYNKAKKA

ClinVar aggregate classification (germline): Uncertain significance. Review status: criteria provided, multiple submitters, no conflicts (2 of 4 stars). 2 submissions from 2 submitters: Uncertain significance (2). Last evaluated 2025-09-11.

Conditions:
Inborn genetic diseases. Identifiers: MedGen C0950123, MeSH D030342.
Spondyloepimetaphyseal dysplasia, PAPSS2 type. Also called: SEMD, PAKISTANI TYPE; BRACHYOLMIA TYPE 4 WITH MILD EPIPHYSEAL AND METAPHYSEAL CHANGES; SPONDYLODYSPLASIA AND PREMATURE PUBARCHE. Identifiers: Orphanet 93282, MedGen C2748516, MONDO:0019666, OMIM 612847.

Allele frequency attached by ClinVar (database versions not stated): TOPMed 0.00001; gnomAD exomes 0.00002 and 0.00007; ExAC 0.00005; gnomAD 0.00008 and 0.00009.
gnomAD v4.1: 43 of 1,613,938 alleles (0.0027%); highest among the groups gnomAD compares: African/African-American, 0.0027%; no homozygotes.

Submissions (2):

Ambry Genetics
Classification: Uncertain significance for Inborn genetic diseases. Last evaluated: 2025-09-11. Review status: criteria provided, single submitter. Criteria: Ambry Variant Classification Scheme 2023. Collection method: clinical testing. Allele origin: germline.

Labcorp Genetics (formerly Invitae), Labcorp
Classification: Uncertain significance for Spondyloepimetaphyseal dysplasia, PAPSS2 type. Last evaluated: 2023-08-17. Review status: criteria provided, single submitter. Criteria: Invitae Variant Classification Sherloc (09022015). Collection method: clinical testing. Allele origin: germline.
Comment: This variant is present in population databases (rs758144732, gnomAD 0.07%). In summary, the available evidence is currently insufficient to determine the role of this variant in disease. Therefore, it has been classified as a Variant of Uncertain Significance. An algorithm developed to predict the effect of missense changes on protein structure and function (PolyPhen-2) suggests that this variant is likely to be disruptive. ClinVar contains an entry for this variant (Variation ID: 1410084). This variant has not been reported in the literature in individuals affected with PAPSS2-related conditions. This sequence change replaces arginine, which is basic and polar, with glutamine, which is neutral and polar, at codon 556 of the PAPSS2 protein (p.Arg556Gln).